The following is an entry in ClinVar:

ClinVar aggregate classification (germline): Uncertain significance (1 of 4 stars; one submission).

Allele frequency attached by ClinVar (database versions not stated): ExAC 0.00001.
gnomAD v4.1: 1 of 1,614,204 alleles (0.000062%); highest among the groups gnomAD compares: Non-Finnish European, 0.000085%; no homozygotes.

Submission:

Labcorp Genetics (formerly Invitae), Labcorp
Classification: Uncertain significance. Last evaluated: 2023-05-11. Review status: criteria provided, single submitter. Criteria: Invitae Variant Classification Sherloc (09022015). Collection method: clinical testing. Allele origin: germline.
Comment: This variant is present in population databases (rs747239876, gnomAD 0.0009%). This variant has not been reported in the literature in individuals affected with MS4A1-related conditions. Algorithms developed to predict the effect of missense changes on protein structure and function output the following: SIFT: "Not Available"; PolyPhen-2: "Benign"; Align-GVGD: "Not Available". The lysine amino acid residue is found in multiple mammalian species, which suggests that this missense change does not adversely affect protein function. In summary, the available evidence is currently insufficient to determine the role of this variant in disease. Therefore, it has been classified as a Variant of Uncertain Significance. This sequence change replaces arginine, which is basic and polar, with lysine, which is basic and polar, at codon 33 of the MS4A1 protein (p.Arg33Lys).

NM_152866.3(MS4A1):c.98G>A (p.Arg33Lys)

Gene: MS4A1 (membrane spanning 4-domains A1; plus strand). Cytogenetic location: 11q12.2.
Variant type: single nucleotide variant.
Coding change: c.98G>A on transcript NM_152866.3 (MANE Select); coding-DNA position 98, G replaced by A.
Protein change: p.Arg33Lys; replaces arginine 33 with lysine.
Molecular consequence: missense variant.
Genome position (GRCh38, 1-based): chr11:60,462,472, G>A. VCF-style: chr11-60462472-G-A. GRCh37 (hg19) VCF-style: chr11-60229945-G-A.
Other names: c.98G>A, p.Arg33Lys (NM_021950.4, NM_152867.2); short protein forms R33K.
Identifiers: ClinVar variation 2825799 (VCV002825799.3), dbSNP rs747239876, ClinGen allele CA6024863.